The following is an entry in ClinVar:

ClinVar aggregate classification (germline): Likely pathogenic (1 of 4 stars; one submission).

Conditions:
TH-deficient dopa-responsive dystonia. Also called: Tyrosine Hydroxylase-Deficient Dopa-Responsive Dystonia; Segawa syndrome, autosomal recessive; DYT-TH. Identifiers: Orphanet 101150, MedGen C2673535, MONDO:0011551, OMIM 605407.

Allele frequency attached by ClinVar (database versions not stated): gnomAD exomes below 0.00001.
gnomAD v4.1: 1 of 1,601,634 alleles (0.000062%); highest among the groups gnomAD compares: Non-Finnish European, 0.000085%; no homozygotes.

Submission:

Labcorp Genetics (formerly Invitae), Labcorp
Classification: Likely pathogenic for TH-deficient dopa-responsive dystonia. Last evaluated: 2023-08-11. Review status: criteria provided, single submitter. Criteria: Invitae Variant Classification Sherloc (09022015). Collection method: clinical testing. Allele origin: germline.
Comment: Algorithms developed to predict the effect of sequence changes on RNA splicing suggest that this variant may disrupt the consensus splice site. This variant has not been reported in the literature in individuals affected with TH-related conditions. This variant is not present in population databases (gnomAD no frequency). This sequence change affects an acceptor splice site in intron 9 of the TH gene. It is expected to disrupt RNA splicing. Variants that disrupt the donor or acceptor splice site typically lead to a loss of protein function (PMID: 16199547), and loss-of-function variants in TH are known to be pathogenic (PMID: 22264700, 24753243). In summary, the currently available evidence indicates that the variant is pathogenic, but additional data are needed to prove that conclusively. Therefore, this variant has been classified as Likely Pathogenic.

Literature cited by the submitters: PubMed 16199547; PubMed 22264700; PubMed 24753243.

NM_000360.4(TH):c.978-1G>A

Gene: TH (tyrosine hydroxylase; minus strand). Cytogenetic location: 11p15.5.
Variant type: single nucleotide variant.
Coding change: c.978-1G>A on transcript NM_000360.4 (MANE Select); the canonical splice acceptor site of the intron before coding-DNA position 978, G replaced by A.
Molecular consequence: splice acceptor variant.
Genome position (GRCh38, 1-based): chr11:2,166,550, C>T on the plus strand (G>A on the coding strand, the complement: TH is on the minus strand). VCF-style: chr11-2166550-C-T. GRCh37 (hg19) VCF-style: chr11-2187780-C-T.
Other names: c.1059-1G>A (NM_199293.3); c.1071-1G>A (NM_199292.3).
Identifiers: ClinVar variation 2701859 (VCV002701859.3), dbSNP rs2495801545, ClinGen allele CA379126078.